The following is an entry in ClinVar:

NM_000340.2(SLC2A2):c.708_711del (p.Phe237fs)

Gene: SLC2A2 (solute carrier family 2 member 2; minus strand). Cytogenetic location: 3q26.2.
Variant type: Deletion.
Coding change: c.708_711del on transcript NM_000340.2 (MANE Select); coding-DNA positions 708 to 711, 4 bases deleted (CTTT; older notation c.708_711delCTTT).
Protein change: p.Phe237fs; shifts the reading frame from phenylalanine 237.
Molecular consequence: frameshift variant.
Genome position (GRCh38, 1-based): chr3:171,006,007-171,006,010, AAAG deleted on the plus strand (CTTT on the coding strand, the reverse complement: SLC2A2 is on the minus strand); deleting any 4 consecutive bases within chr3:171,006,007-171,006,011 gives the same sequence; the c. name uses the placement nearest the transcript's 3' end. VCF-style (leftmost placement, unchanged base first): chr3-171006006-AAAAG-A. GRCh37 (hg19) VCF-style: chr3-170723795-AAAAG-A.
Other names: c.351_354del, p.Phe118fs (NM_001278658.2); c.189_192del, p.Phe64fs (NM_001278659.2); short protein forms F237fs, F64fs, F118fs.
Identifiers: ClinVar variation 579220 (VCV000579220.6), dbSNP rs1560035336, ClinGen allele CA891843418.

ClinVar aggregate classification (germline): Pathogenic (1 of 4 stars; one submission).

Conditions:
Fanconi-Bickel syndrome (FBS). Also called: HEPATIC GLYCOGENOSIS WITH AMINO ACIDURIA AND GLUCOSURIA; HEPATIC GLYCOGENOSIS WITH FANCONI NEPHROPATHY; HEPATORENAL GLYCOGENOSIS WITH RENAL FANCONI SYNDROME; Glycogen storage disease due to GLUT2 deficiency; PSEUDO-PHLORIZIN DIABETES; FANCONI SYNDROME WITH INTESTINAL MALABSORPTION AND GALACTOSE INTOLERANCE. Identifiers: Orphanet 2088, MedGen C3495427, MONDO:0009216, OMIM 227810.

Submission:

Labcorp Genetics (formerly Invitae), Labcorp
Classification: Pathogenic for Fanconi-Bickel syndrome. Last evaluated: 2017-09-05. Review status: criteria provided, single submitter. Criteria: Invitae Variant Classification Sherloc (09022015). Collection method: clinical testing. Allele origin: germline.
Comment: This variant is not present in population databases (ExAC no frequency). This variant has not been reported in the literature in individuals with SLC2A2-related disease. Loss-of-function variants in SLC2A2 are known to be pathogenic (PMID: 11810292). For these reasons, this variant has been classified as Pathogenic. This sequence change creates a premature translational stop signal (p.Phe237Serfs*13) in the SLC2A2 gene. It is expected to result in an absent or disrupted protein product.

Literature cited by the submitters: PubMed 11810292.